The following is an entry in ClinVar:

NM_003664.5(AP3B1):c.1789del (p.Ile597fs)

Gene: AP3B1 (adaptor related protein complex 3 subunit beta 1; minus strand). Cytogenetic location: 5q14.1.
Variant type: Deletion.
Coding change: c.1789del on transcript NM_003664.5 (MANE Select); coding-DNA position 1789, one base deleted (A; older notation c.1789delA).
Protein change: p.Ile597fs; shifts the reading frame from isoleucine 597.
Molecular consequence: frameshift variant.
Genome position (GRCh38, 1-based): chr5:78,129,169, T deleted on the plus strand (A on the coding strand, the reverse complement: AP3B1 is on the minus strand); the first of 7 consecutive T bases (chr5:78,129,169-78,129,175); deleting any one gives the same sequence. VCF-style (leftmost placement, unchanged base first): chr5-78129168-AT-A. GRCh37 (hg19) VCF-style: chr5-77424992-AT-A.
Other names: c.1642del, p.Ile548fs (NM_001271769.2); c.1789del, p.Ile597fs (NM_001410752.1); c.1789delA (NM_003664.4); short protein forms I548fs, I597fs.
Identifiers: ClinVar variation 4994931 (VCV004994931.1).
Genomic context (GRCh38, chr5:78,129,168, plus strand): 5'-ATTCTGATAATACCTTTAAAAGGAGACTCAAGCAGTGGTGCAGGCTTTTGTGCTAGGAAT[AT>A]TTTTTTGGCATATTTACTTAAAGCTCCACTCTTTACATTCGGAACAATAAGCTGCCTAAT-3'

ClinVar aggregate classification (germline): Likely pathogenic (1 of 4 stars; one submission).

Conditions:
AP3B1-related disorder. Also called: AP3B1-related condition.

Submission:

PreventionGenetics, part of Exact Sciences
Classification: Likely pathogenic for AP3B1-related condition. Last evaluated: 2026-09-20. Review status: criteria provided, single submitter. Criteria: ACMG Guidelines, 2015. Collection method: clinical testing. Allele origin: germline.
Comment: The AP3B1 c.1789delA variant is predicted to result in a frameshift and premature protein termination (p.Ile597Tyrfs*3). To our knowledge, this variant has not been reported in the literature or in a large population database (gnomAD), indicating this variant is rare. Frameshift variants in AP3B1 are expected to be pathogenic. This variant is interpreted as likely pathogenic.